The following is an entry in ClinVar:

NM_017780.4(CHD7):c.1574A>C (p.His525Pro)

Gene: CHD7 (chromodomain helicase DNA binding protein 7; plus strand). Cytogenetic location: 8q12.2.
Variant type: single nucleotide variant.
Coding change: c.1574A>C on transcript NM_017780.4 (MANE Select); coding-DNA position 1574, A replaced by C.
Protein change: p.His525Pro; replaces histidine 525 with proline.
Molecular consequence: missense variant.
Genome position (GRCh38, 1-based): chr8:60,743,006, A>C. VCF-style: chr8-60743006-A-C. GRCh37 (hg19) VCF-style: chr8-61655565-A-C.
Other names: c.1574A>C, p.His525Pro (NM_001316690.1); short protein forms H525P.
Identifiers: ClinVar variation 4998955 (VCV004998955.1).

ClinVar aggregate classification (germline): Uncertain significance (1 of 4 stars; one submission).

Conditions:
CHD7-related disorder. Also called: CHD7-related condition.

gnomAD v4.1: 1 of 1,613,800 alleles (0.000062%); highest among the groups gnomAD compares: South Asian, 0.0011%; no homozygotes.

Submission:

PreventionGenetics, part of Exact Sciences
Classification: Uncertain significance for CHD7-related condition. Last evaluated: 2024-12-03. Review status: criteria provided, single submitter. Criteria: ACMG Guidelines, 2015. Collection method: clinical testing. Allele origin: germline.
Comment: The CHD7 c.1574A>C variant is predicted to result in the amino acid substitution p.His525Pro. To our knowledge, this variant has not been reported in the literature or in a large population database (gnomAD), indicating this variant is rare. At this time, the clinical significance of this variant is uncertain due to the absence of conclusive functional and genetic evidence.